The following is an entry in ClinVar:

NM_004612.4(TGFBR1):c.248C>T (p.Pro83Leu)

Gene: TGFBR1 (transforming growth factor beta receptor 1; plus strand). Cytogenetic location: 9q22.33.
Variant type: single nucleotide variant.
Coding change: c.248C>T on transcript NM_004612.4 (MANE Select); coding-DNA position 248, C replaced by T.
Protein change: p.Pro83Leu; replaces proline 83 with leucine.
Molecular consequence: missense variant.
Genome position (GRCh38, 1-based): chr9:99,129,005, C>T. VCF-style: chr9-99129005-C-T. GRCh37 (hg19) VCF-style: chr9-101891287-C-T.
Other names: c.248C>T, p.Pro83Leu (NM_001130916.3, NM_001306210.2); short protein forms P83L.
Identifiers: ClinVar variation 1005836 (VCV001005836.9), dbSNP rs757374917, ClinGen allele CA041301.

ClinVar aggregate classification (germline): Uncertain significance (1 of 4 stars; one submission).

Conditions:
Familial thoracic aortic aneurysm and aortic dissection (TAAD). Also called: Thoracic aortic aneurysms and dissections. Identifiers: Orphanet 91387, MedGen C4707243, MONDO:0019625.

Allele frequency attached by ClinVar (database versions not stated): gnomAD exomes below 0.00001; TOPMed below 0.00001; ExAC 0.00001.
gnomAD v4.1: 1 of 1,613,890 alleles (0.000062%); highest among the groups gnomAD compares: Non-Finnish European, 0.000085%; no homozygotes.

Submission:

Labcorp Genetics (formerly Invitae), Labcorp
Classification: Uncertain significance for Familial thoracic aortic aneurysm and aortic dissection. Last evaluated: 2024-10-26. Review status: criteria provided, single submitter. Criteria: Invitae Variant Classification Sherloc (09022015). Collection method: clinical testing. Allele origin: germline.
Comment: This sequence change replaces proline, which is neutral and non-polar, with leucine, which is neutral and non-polar, at codon 83 of the TGFBR1 protein (p.Pro83Leu). This variant is present in population databases (rs757374917, gnomAD 0.0009%). This missense change has been observed in individual(s) with multiple self-healing squamous epithelioma (PMID: 21358634). ClinVar contains an entry for this variant (Variation ID: 1005836). Invitae Evidence Modeling of protein sequence and biophysical properties (such as structural, functional, and spatial information, amino acid conservation, physicochemical variation, residue mobility, and thermodynamic stability) indicates that this missense variant is not expected to disrupt TGFBR1 protein function with a negative predictive value of 80%. Experimental studies have shown that this missense change affects TGFBR1 function (PMID: 21358634). In summary, the available evidence is currently insufficient to determine the role of this variant in disease. Therefore, it has been classified as a Variant of Uncertain Significance.

Literature cited by the submitters: PubMed 21358634.